The following is an entry in ClinVar:

NM_001267550.2(TTN):c.14339G>A (p.Ser4780Asn)

Gene: TTN (titin; minus strand). Cytogenetic location: 2q31.2.
Variant type: single nucleotide variant.
Coding change: c.14339G>A on transcript NM_001267550.2 (MANE Select); coding-DNA position 14339, G replaced by A.
Protein change: p.Ser4780Asn; replaces serine 4780 with asparagine.
Molecular consequence: missense variant.
Genome position (GRCh38, 1-based): chr2:178,738,114, C>T on the plus strand (G>A on the coding strand, the complement: TTN is on the minus strand). VCF-style: chr2-178738114-C-T. GRCh37 (hg19) VCF-style: chr2-179602841-C-T.
Other names: S4465N; c.13388G>A, p.Ser4463Asn (NM_001256850.1); c.13250G>A, p.Ser4417Asn (NM_003319.4); c.10607G>A, p.Ser3536Asn (NM_133378.4); c.13625G>A, p.Ser4542Asn (NM_133432.3); c.13826G>A, p.Ser4609Asn (NM_133437.4); c.14339G>A (NM_001267550.1); short protein forms S4417N, S4542N, S4609N, S4780N, S3536N, S4463N.
Identifiers: ClinVar variation 12658 (VCV000012658.21), dbSNP rs147879266, ClinGen allele CA256521.
Genomic context (GRCh38, chr2:178,738,114, plus strand): 5'-AACATCTGTGCCAATGTATGGCATTTACCTGTCACAGTTAGTGTGGCTGTACAGCTGACA[C>T]TGCCATACTCATTGGAAGCTTTGCATGTATACTCGCCGCAGTCAACCACCTGGGTTCTCA-3'
Protein context (NP_001254479.2, residues 4770-4790): YTCKASNEYG[Ser4780Asn]VSCTATLTVT

ClinVar aggregate classification (germline): Conflicting classifications of pathogenicity. Review status: criteria provided, conflicting classifications (1 of 4 stars). 6 submissions from 6 submitters: Uncertain significance (2); Likely benign (2). 2 of the submissions do not count toward it. Last evaluated 2025-12-07.

Conditions:
TTN-related disorder. Also called: TTN-related disorders; TTN-related condition; TTN-related disease.
Autosomal recessive limb-girdle muscular dystrophy type 2J (LGMDR10). Also called: Limb-girdle muscular dystrophy, type 2J; MUSCULAR DYSTROPHY, LIMB-GIRDLE, AUTOSOMAL RECESSIVE 10. Identifiers: Orphanet 140922, MedGen C1837342, MONDO:0012127, OMIM 608807.
Dilated cardiomyopathy 1G (CMD1G). Identifiers: Orphanet 154, MedGen C1858763, MONDO:0011400, OMIM 604145.

Allele frequency attached by ClinVar (database versions not stated): gnomAD 0.00003 and 0.00005; gnomAD exomes 0.00004 and 0.00010; TOPMed 0.00005; ExAC 0.00013; 1000 Genomes Project 30x 0.00016; 1000 Genomes Project 0.00020.
gnomAD v4.1: 71 of 1,613,716 alleles (0.0044%); highest among the groups gnomAD compares: East Asian, 0.1%; 1 homozygote.

Submissions (6):

Labcorp Genetics (formerly Invitae), Labcorp
Classification: Likely benign for Dilated cardiomyopathy 1G; Autosomal recessive limb-girdle muscular dystrophy type 2J. Last evaluated: 2025-12-07. Review status: criteria provided, single submitter. Criteria: Invitae Variant Classification Sherloc (09022015). Collection method: clinical testing. Allele origin: germline.

Revvity Omics, Revvity
Classification: Uncertain significance. Last evaluated: 2021-02-06. Review status: criteria provided, single submitter. Criteria: ACMG Guidelines, 2015. Collection method: clinical testing. Allele origin: germline.

GeneDx
Classification: Likely benign. Last evaluated: 2020-10-15. Review status: criteria provided, single submitter. Criteria: GeneDx Variant Classification Process June 2021. Collection method: clinical testing. Allele origin: germline. Affected: yes.
Comment: See Variant Classification Assertion Criteria.

Eurofins Ntd Llc (ga)
Classification: Uncertain significance. Last evaluated: 2018-06-14. Review status: criteria provided, single submitter. Criteria: EGL ClinVar v180209 classification definitions. Collection method: clinical testing. Allele origin: germline. Observed: 1 variant allele, 1 heterozygote.

PreventionGenetics, part of Exact Sciences
Classification: Uncertain significance for TTN-related condition. Last evaluated: 2024-08-30. Review status: no assertion criteria provided. Collection method: clinical testing. Allele origin: germline. Not counted in ClinVar's aggregate classification.
Comment: The TTN c.14339G>A variant is predicted to result in the amino acid substitution p.Ser4780Asn. This variant has been reported in an individual with dilated cardiomyopathy (described as p.Ser4465Asn, Itoh-Satoh et al. 2002. PubMed ID: 11846417). This variant is reported in 0.10% of alleles in individuals of East Asian descent in gnomAD. Although we suspect that this variant may be benign, at this time, the clinical significance of this variant is uncertain due to the absence of conclusive functional and genetic evidence.

OMIM
Classification: Pathogenic for CARDIOMYOPATHY, DILATED, 1G. Last evaluated: 2002-02-22. Review status: no assertion criteria provided. Collection method: literature only. Allele origin: germline. Not counted in ClinVar's aggregate classification.

Literature cited by the submitters: PubMed 11846417 (cited by OMIM).